The following is an entry in ClinVar:

ClinVar aggregate classification (germline): Likely benign (1 of 4 stars; one submission).

gnomAD v4.1: 6 of 1,613,978 alleles (0.00037%); highest among the groups gnomAD compares: Admixed American, 0.0017%; no homozygotes.

Submission:

CeGaT Center for Human Genetics Tuebingen
Classification: Likely benign. Last evaluated: 2025-01-01. Review status: criteria provided, single submitter. Criteria: CeGaT Center For Human Genetics Tuebingen Variant Classification Criteria Version 2. Collection method: clinical testing. Allele origin: germline. Affected: yes. Observed: 1 variant allele.
Comment: MYO5A: BP4, BP7

NM_001382347.1(MYO5A):c.1137A>G (p.Lys379=)

Gene: MYO5A (myosin VA; minus strand). Cytogenetic location: 15q21.2.
Variant type: single nucleotide variant.
Coding change: c.1137A>G on transcript NM_001382347.1 (MANE Select); coding-DNA position 1137, A replaced by G.
Protein change: p.Lys379=; no amino-acid change (lysine 379 retained).
Molecular consequence: synonymous variant.
Genome position (GRCh38, 1-based): chr15:52,397,383, T>C on the plus strand (A>G on the coding strand, the complement: MYO5A is on the minus strand). VCF-style: chr15-52397383-T-C. GRCh37 (hg19) VCF-style: chr15-52689580-T-C.
Other names: c.1137A>G, p.Lys379= (NM_000259.3, NM_001142495.2, NM_001411135.1); c.1209A>G, p.Lys403= (NM_001382348.1, NM_001382349.1).
Identifiers: ClinVar variation 3771658 (VCV003771658.13).